The following is an entry in ClinVar:

ClinVar aggregate classification (germline): Uncertain significance (1 of 4 stars; one submission).

Submission:

GeneDx
Classification: Uncertain significance. Last evaluated: 2024-03-31. Review status: criteria provided, single submitter. Criteria: GeneDx Variant Classification Process June 2021. Collection method: clinical testing. Allele origin: germline. Affected: yes.
Comment: Not observed at significant frequency in large population cohorts (gnomAD); In silico analysis supports that this missense variant has a deleterious effect on protein structure/function; Has not been previously published as pathogenic or benign to our knowledge.

NM_016148.5(SHANK1):c.896T>C (p.Leu299Pro)

Gene: SHANK1 (SH3 and multiple ankyrin repeat domains 1; minus strand). Cytogenetic location: 19q13.33.
Variant type: single nucleotide variant.
Coding change: c.896T>C on transcript NM_016148.5 (MANE Select); coding-DNA position 896, T replaced by C.
Protein change: p.Leu299Pro; replaces leucine 299 with proline.
Molecular consequence: missense variant.
Genome position (GRCh38, 1-based): chr19:50,712,011, A>G on the plus strand (T>C on the coding strand, the complement: SHANK1 is on the minus strand). VCF-style: chr19-50712011-A-G. GRCh37 (hg19) VCF-style: chr19-51215268-A-G.
Other names: short protein forms L299P.
Identifiers: ClinVar variation 3371902 (VCV003371902.1).